The following is an entry in ClinVar:

NM_006267.5(RANBP2):c.9656C>G (p.Thr3219Arg)

Gene: RANBP2 (RAN binding protein 2; plus strand). Cytogenetic location: 2q13.
Variant type: single nucleotide variant.
Coding change: c.9656C>G on transcript NM_006267.5 (MANE Select); coding-DNA position 9656, C replaced by G.
Protein change: p.Thr3219Arg; replaces threonine 3219 with arginine.
Molecular consequence: missense variant.
Genome position (GRCh38, 1-based): chr2:108,783,882, C>G. VCF-style: chr2-108783882-C-G. GRCh37 (hg19) VCF-style: chr2-109400338-C-G.
Other names: c.9734C>G, p.Thr3245Arg (NM_001415871.1); c.9653C>G, p.Thr3218Arg (NM_001415872.1); c.9680C>G, p.Thr3227Arg (NM_001415873.1); short protein forms T3218R, T3219R, T3227R, T3245R.
Identifiers: ClinVar variation 3253344 (VCV003253344.1), dbSNP rs2467772229.

ClinVar aggregate classification (germline): Uncertain significance (1 of 4 stars; one submission).

Submission:

GeneDx
Classification: Uncertain significance. Last evaluated: 2023-12-11. Review status: criteria provided, single submitter. Criteria: GeneDx Variant Classification Process June 2021. Collection method: clinical testing. Allele origin: germline. Affected: yes.
Comment: Not observed at significant frequency in large population cohorts (gnomAD); In silico analysis supports that this missense variant has a deleterious effect on protein structure/function; Has not been previously published as pathogenic or benign to our knowledge